The following is an entry in ClinVar:

NM_001365536.1(SCN9A):c.3025T>C (p.Phe1009Leu)

Genes: SCN9A (sodium voltage-gated channel alpha subunit 9; minus strand), SCN1A-AS1 (SCN1A and SCN9A antisense RNA 1; plus strand). Cytogenetic location: 2q24.3.
Variant type: single nucleotide variant.
Coding change: c.3025T>C on transcript NM_001365536.1 (MANE Select); coding-DNA position 3025, T replaced by C.
Protein change: p.Phe1009Leu; replaces phenylalanine 1009 with leucine.
Molecular consequence: missense variant.
Genome position (GRCh38, 1-based): chr2:166,272,725, A>G on the plus strand (T>C on the coding strand, the complement: SCN9A is on the minus strand). VCF-style: chr2-166272725-A-G. GRCh37 (hg19) VCF-style: chr2-167129235-A-G.
Other names: c.2992T>C, p.Phe998Leu (NM_002977.4); short protein forms F1009L, F998L.
Identifiers: ClinVar variation 998957 (VCV000998957.9), dbSNP rs1028951676, ClinGen allele CA59791726.

ClinVar aggregate classification (germline): Uncertain significance (1 of 4 stars; one submission).

Conditions:
Generalized epilepsy with febrile seizures plus, type 7 (GEFSP7). Also called: GEFS+, TYPE 7. Identifiers: Orphanet 36387, MedGen C2751778, MONDO:0013470, OMIM 613863.
Neuropathy, hereditary sensory and autonomic, type 2A (HSAN2A). Also called: HSAN IIA; MORVAN DISEASE; NEUROPATHY, CONGENITAL SENSORY; NEUROPATHY, HEREDITARY SENSORY RADICULAR, AUTOSOMAL RECESSIVE; NEUROPATHY, HEREDITARY SENSORY, TYPE IIA; NEUROPATHY, PROGRESSIVE SENSORY, OF CHILDREN. Identifiers: Orphanet 970, MedGen C2752089, MONDO:0024309, OMIM 201300.

Allele frequency attached by ClinVar (database versions not stated): gnomAD exomes below 0.00001; TOPMed below 0.00001; gnomAD 0.00001.

Submission:

Labcorp Genetics (formerly Invitae), Labcorp
Classification: Uncertain significance for Neuropathy, hereditary sensory and autonomic, type 2A; Generalized epilepsy with febrile seizures plus, type 7. Last evaluated: 2025-01-12. Review status: criteria provided, single submitter. Criteria: Invitae Variant Classification Sherloc (09022015). Collection method: clinical testing. Allele origin: germline.
Comment: This sequence change replaces phenylalanine, which is neutral and non-polar, with leucine, which is neutral and non-polar, at codon 998 of the SCN9A protein (p.Phe998Leu). This variant is not present in population databases (gnomAD no frequency). This variant has not been reported in the literature in individuals affected with SCN9A-related conditions. ClinVar contains an entry for this variant (Variation ID: 998957). Invitae Evidence Modeling of protein sequence and biophysical properties (such as structural, functional, and spatial information, amino acid conservation, physicochemical variation, residue mobility, and thermodynamic stability) indicates that this missense variant is not expected to disrupt SCN9A protein function with a negative predictive value of 95%. In summary, the available evidence is currently insufficient to determine the role of this variant in disease. Therefore, it has been classified as a Variant of Uncertain Significance.